The following is an entry in ClinVar:

ClinVar aggregate classification (germline): Likely pathogenic (0 of 4 stars; one submission).

Conditions:
OPA1-related disorder. Also called: OPA1-related condition; OPA1-related disorders.

Submission:

PreventionGenetics, part of Exact Sciences
Classification: Likely pathogenic for OPA1-related condition. Last evaluated: 2024-09-27. Review status: no assertion criteria provided. Collection method: clinical testing. Allele origin: germline.
Comment: The OPA1 c.2268dupA variant is predicted to result in a frameshift and premature protein termination (p.Glu757Argfs*4). To our knowledge, this variant has not been reported in the literature or in a large population database, indicating this variant is rare. Frameshift variants in OPA1 are expected to be pathogenic. This variant is interpreted as likely pathogenic.

NM_130837.3(OPA1):c.2268dup (p.Glu757fs)

Gene: OPA1 (OPA1 mitochondrial dynamin like GTPase; plus strand). Cytogenetic location: 3q29.
Variant type: Duplication.
Coding change: c.2268dup on transcript NM_130837.3 (MANE Select); coding-DNA position 2268, one base duplicated (A; older notation c.2268dupA).
Protein change: p.Glu757fs; shifts the reading frame from glutamic acid 757.
Molecular consequence: frameshift variant.
Genome position (GRCh38, 1-based): chr3:193,657,169, A duplicated; the last of 3 consecutive A bases (chr3:193,657,167-193,657,169); duplicating any one gives the same sequence. VCF-style (leftmost placement, unchanged base first): chr3-193657166-T-TA. GRCh37 (hg19) VCF-style: chr3-193374955-T-TA.
Other names: c.1734dup, p.Glu579fs (NM_001354663.2); c.1731dup, p.Glu578fs (NM_001354664.2); c.2103dup, p.Glu702fs (NM_015560.3); c.1995dup, p.Glu666fs (NM_130831.3); c.2049dup, p.Glu684fs (NM_130832.3); c.2106dup, p.Glu703fs (NM_130833.3); c.2157dup, p.Glu720fs (NM_130834.3); c.2160dup, p.Glu721fs (NM_130835.3); and 2 more; short protein forms E578fs, E579fs, E666fs, E684fs, E702fs, E703fs, E720fs, E721fs.
Identifiers: ClinVar variation 3345345 (VCV003345345.1).
Genomic context (GRCh38, chr3:193,657,166, plus strand): 5'-ATTTTCCCGCTTTATGACAGAACCGAAAGGGAAAGAGCATGATGACATATTTGATAAACT[T>TA]AAAGAGGCTGTTAAGGAAGAAAGTATTAAACGACACAAGTGGAATGACTTTGCGGAGGAC-3'